The following is an entry in ClinVar:

NM_001128228.3(TPRN):c.1010G>A (p.Ser337Asn)

Gene: TPRN (taperin; minus strand). Cytogenetic location: 9q34.3.
Variant type: single nucleotide variant.
Coding change: c.1010G>A on transcript NM_001128228.3 (MANE Select); coding-DNA position 1010, G replaced by A.
Protein change: p.Ser337Asn; replaces serine 337 with asparagine.
Molecular consequence: missense variant.
Genome position (GRCh38, 1-based): chr9:137,199,702, C>T on the plus strand (G>A on the coding strand, the complement: TPRN is on the minus strand). VCF-style: chr9-137199702-C-T. GRCh37 (hg19) VCF-style: chr9-140094154-C-T.
Other names: short protein forms S337N.
Identifiers: ClinVar variation 1305289 (VCV001305289.2), dbSNP rs763659938, ClinGen allele CA5362834.

ClinVar aggregate classification (germline): Uncertain significance (1 of 4 stars; one submission).

Allele frequency attached by ClinVar (database versions not stated): gnomAD exomes below 0.00001 and 0.00001; ExAC 0.00003.
gnomAD v4.1: 2 of 1,610,466 alleles (0.00012%); highest among the groups gnomAD compares: South Asian, 0.0011%; no homozygotes.

Submission:

GeneDx
Classification: Uncertain significance. Last evaluated: 2019-04-24. Review status: criteria provided, single submitter. Criteria: GeneDx Variant Classification Process June 2021. Collection method: clinical testing. Allele origin: germline. Affected: yes.
Comment: Not observed at a significant frequency in large population cohorts (Lek et al., 2016); Has not been previously published as pathogenic or benign to our knowledge